The following is an entry in ClinVar:

ClinVar aggregate classification (germline): Pathogenic (1 of 4 stars; one submission).

Submission:

Labcorp Genetics (formerly Invitae), Labcorp
Classification: Pathogenic. Last evaluated: 2025-03-18. Review status: criteria provided, single submitter. Criteria: Invitae Variant Classification Sherloc (09022015). Collection method: clinical testing. Allele origin: germline.
Comment: This sequence change creates a premature translational stop signal (p.Gln129*) in the MYO18B gene. It is expected to result in an absent or disrupted protein product. Loss-of-function variants in MYO18B are known to be pathogenic (PMID: 25748484, 32184166, 32637634). This variant is present in population databases (no rsID available, gnomAD 0.0009%). This variant has not been reported in the literature in individuals affected with MYO18B-related conditions. For these reasons, this variant has been classified as Pathogenic.

Literature cited by the submitters: PubMed 25748484; PubMed 32184166; PubMed 32637634.

NM_032608.7(MYO18B):c.385C>T (p.Gln129Ter)

Gene: MYO18B (myosin XVIIIB; plus strand). Cytogenetic location: 22q12.1.
Variant type: single nucleotide variant.
Coding change: c.385C>T on transcript NM_032608.7 (MANE Select); coding-DNA position 385, C replaced by T.
Protein change: p.Gln129Ter; replaces glutamine 129 with a stop codon.
Molecular consequence: nonsense.
Genome position (GRCh38, 1-based): chr22:25,768,301, C>T. VCF-style: chr22-25768301-C-T. GRCh37 (hg19) VCF-style: chr22-26164268-C-T.
Other names: c.385C>T, p.Gln129Ter (NM_001318245.2); short protein forms Q129*.
Identifiers: ClinVar variation 4701700 (VCV004701700.1).
Genomic context (GRCh38, chr22:25,768,301, plus strand): 5'-AGCGAGGGGTCCCGCAGCCCCGACCCTGAGCAGATGACAAGCATCAATGGTGAGAAGGCC[C>T]AGGAGCTGGGCTCCAGTGCGACACCAACCAAAAAGACTGTCCCCTTCAAGAGGGGCGTGA-3'